The following is an entry in ClinVar:

NM_001376.5(DYNC1H1):c.5424A>G (p.Leu1808=)

Gene: DYNC1H1 (dynein cytoplasmic 1 heavy chain 1; plus strand). Cytogenetic location: 14q32.31.
Variant type: single nucleotide variant.
Coding change: c.5424A>G on transcript NM_001376.5 (MANE Select); coding-DNA position 5424, A replaced by G.
Protein change: p.Leu1808=; no amino-acid change (leucine 1808 retained).
Molecular consequence: synonymous variant.
Genome position (GRCh38, 1-based): chr14:102,005,227, A>G. VCF-style: chr14-102005227-A-G. GRCh37 (hg19) VCF-style: chr14-102471564-A-G.
Identifiers: ClinVar variation 312632 (VCV000312632.35), dbSNP rs770425304, ClinGen allele CA7352413.

ClinVar aggregate classification (germline): Likely benign. Review status: criteria provided, multiple submitters, no conflicts (2 of 4 stars). 3 submissions from 3 submitters: Likely benign (3). Last evaluated 2026-01-19.

Conditions:
Charcot-Marie-Tooth disease axonal type 2O. Also called: Charcot-Marie-Tooth Neuropathy Type 2O; Charcot-Marie-Tooth disease, axonal, type 20; CHARCOT-MARIE-TOOTH NEUROPATHY, AXONAL, TYPE 2O; CHARCOT-MARIE-TOOTH DISEASE, AXONAL, AUTOSOMAL DOMINANT, TYPE 2O. Identifiers: Orphanet 284232, MedGen C3280220, MONDO:0013644, OMIM 614228.

Allele frequency attached by ClinVar (database versions not stated): ExAC 0.00001; gnomAD exomes 0.00001 and 0.00002.
gnomAD v4.1: 14 of 1,614,224 alleles (0.00087%); highest among the groups gnomAD compares: Middle Eastern, 0.016%; no homozygotes.

Submissions (3):

Labcorp Genetics (formerly Invitae), Labcorp
Classification: Likely benign for Charcot-Marie-Tooth disease axonal type 2O. Last evaluated: 2026-01-19. Review status: criteria provided, single submitter. Criteria: Invitae Variant Classification Sherloc (09022015). Collection method: clinical testing. Allele origin: germline.

CeGaT Center for Human Genetics Tuebingen
Classification: Likely benign. Last evaluated: 2023-11-01. Review status: criteria provided, single submitter. Criteria: CeGaT Center For Human Genetics Tuebingen Variant Classification Criteria Version 2. Collection method: clinical testing. Allele origin: germline. Affected: yes. Observed: 1 variant allele.
Comment: DYNC1H1: BP4, BP7

GeneDx
Classification: Likely benign. Last evaluated: 2017-08-11. Review status: criteria provided, single submitter. Criteria: GeneDx Variant Classification (06012015). Collection method: clinical testing. Allele origin: germline. Affected: yes.
Comment: This variant is considered likely benign or benign based on one or more of the following criteria: it is a conservative change, it occurs at a poorly conserved position in the protein, it is predicted to be benign by multiple in silico algorithms, and/or has population frequency not consistent with disease.